The following is an entry in ClinVar:

ClinVar aggregate classification (germline): Pathogenic/Likely pathogenic. Review status: criteria provided, multiple submitters, no conflicts (2 of 4 stars). 2 submissions from 2 submitters: Pathogenic (1); Likely pathogenic (1). Last evaluated 2023-06-23.

Conditions:
Fanconi anemia complementation group E (FANCE). Also called: FANCE-Related Fanconi Anemia. Identifiers: Orphanet 84, MedGen C3160739, MONDO:0010953, OMIM 600901.
FANCE-related disorders.

Submissions (2):

Labcorp Genetics (formerly Invitae), Labcorp
Classification: Pathogenic for Fanconi anemia complementation group E. Last evaluated: 2023-06-23. Review status: criteria provided, single submitter. Criteria: Invitae Variant Classification Sherloc (09022015). Collection method: clinical testing. Allele origin: germline.
Comment: This sequence change creates a premature translational stop signal (p.Glu205Glyfs*7) in the FANCE gene. It is expected to result in an absent or disrupted protein product. Loss-of-function variants in FANCE are known to be pathogenic (PMID: 11001585, 17924555). This variant is not present in population databases (gnomAD no frequency). This variant has not been reported in the literature in individuals affected with FANCE-related conditions. For these reasons, this variant has been classified as Pathogenic.

Blueprint Genetics
Classification: Likely pathogenic for FANCE-related disorders. Last evaluated: 2022-09-13. Review status: criteria provided, single submitter. Criteria: ACMG Guidelines, 2015. Collection method: clinical testing. Allele origin: germline. Affected: yes. Observed: 1 variant allele.

Literature cited by the submitters: PubMed 11001585 (cited by Labcorp Genetics (formerly Invitae), Labcorp); PubMed 17924555 (cited by Labcorp Genetics (formerly Invitae), Labcorp).

NM_021922.3(FANCE):c.614_615del (p.Glu205fs)

Gene: FANCE (FA complementation group E; plus strand). Cytogenetic location: 6p21.31.
Variant type: Microsatellite.
Coding change: c.614_615del on transcript NM_021922.3 (MANE Select); coding-DNA positions 614 to 615, 2 bases deleted (AG; older notation c.614_615delAG).
Protein change: p.Glu205fs; shifts the reading frame from glutamic acid 205.
Molecular consequence: frameshift variant.
Genome position (GRCh38, 1-based): chr6:35,456,112-35,456,113, AG deleted; deleting any 2 consecutive bases within chr6:35,456,110-35,456,113 gives the same sequence; the c. name uses the placement nearest the transcript's 3' end. VCF-style (leftmost placement, unchanged base first): chr6-35456109-CAG-C. GRCh37 (hg19) VCF-style: chr6-35423886-CAG-C.
Other names: c.614_615del, p.Glu205fs (NM_001410876.1); short protein forms E205fs.
Identifiers: ClinVar variation 2895459 (VCV002895459.4), dbSNP rs2533660159, ClinGen allele CA2739272985.
Genomic context (GRCh38, chr6:35,456,109, plus strand): 5'-CAGACCCTGAAGAAGAGGAGAACAGGGACTCCCAGCAGCCTGGGAAACGCAGAAAGGACT[CAG>C]AGGAAGAGGCTGCCAGTCCTGAGGGGAAGAGGGTCCCCAAAAGATTACGGTGTTGGGAAG-3'